The following is an entry in ClinVar:

ClinVar aggregate classification (germline): Likely benign. Review status: criteria provided, single submitter (1 of 4 stars). 2 submissions from 2 submitters: Likely benign (1). 1 of the submissions does not count toward it. Last evaluated 2025-11-01.

Conditions:
ACBD6-related disorder. Also called: ACBD6-related condition.

Allele frequency attached by ClinVar (database versions not stated): gnomAD exomes 0.00010; ExAC 0.00012; gnomAD 0.00014; TOPMed 0.00015; 1000 Genomes Project 30x 0.00031; 1000 Genomes Project 0.00040.
gnomAD v4.1: 178 of 1,613,012 alleles (0.011%); highest among the groups gnomAD compares: Middle Eastern, 0.17%; 1 homozygote.

Submissions (2):

CeGaT Center for Human Genetics Tuebingen
Classification: Likely benign. Last evaluated: 2025-11-01. Review status: criteria provided, single submitter. Criteria: CeGaT Center For Human Genetics Tuebingen Variant Classification Criteria Version 2. Collection method: clinical testing. Allele origin: germline. Affected: yes. Observed: 1 variant allele.
Comment: ACBD6: BP4, BP7

PreventionGenetics, part of Exact Sciences
Classification: Likely benign for ACBD6-related condition. Last evaluated: 2019-03-05. Review status: no assertion criteria provided. Collection method: clinical testing. Allele origin: germline. Not counted in ClinVar's aggregate classification.
Comment: This variant is classified as likely benign based on ACMG/AMP sequence variant interpretation guidelines (Richards et al. 2015 PMID: 25741868, with internal and published modifications).

NM_032360.4(ACBD6):c.456A>G (p.Glu152=)

Gene: ACBD6 (acyl-CoA binding domain containing 6; minus strand). Cytogenetic location: 1q25.3.
Variant type: single nucleotide variant.
Coding change: c.456A>G on transcript NM_032360.4 (MANE Select); coding-DNA position 456, A replaced by G.
Protein change: p.Glu152=; no amino-acid change (glutamic acid 152 retained).
Molecular consequence: synonymous variant.
Genome position (GRCh38, 1-based): chr1:180,430,191, T>C on the plus strand (A>G on the coding strand, the complement: ACBD6 is on the minus strand). VCF-style: chr1-180430191-T-C. GRCh37 (hg19) VCF-style: chr1-180399326-T-C.
Identifiers: ClinVar variation 3058365 (VCV003058365.8), dbSNP rs189730262, ClinGen allele CA1272273.